The following is an entry in ClinVar:

ClinVar aggregate classification (germline): Uncertain significance (1 of 4 stars; one submission).

Submission:

GeneDx
Classification: Uncertain significance. Last evaluated: 2023-08-21. Review status: criteria provided, single submitter. Criteria: GeneDx Variant Classification Process June 2021. Collection method: clinical testing. Allele origin: germline. Affected: yes.
Comment: Not observed at significant frequency in large population cohorts (gnomAD); In silico analysis supports that this missense variant has a deleterious effect on protein structure/function; Has not been previously published as pathogenic or benign to our knowledge

NM_016333.4(SRRM2):c.418G>C (p.Gly140Arg)

Genes: SRRM2 (serine/arginine repetitive matrix 2; plus strand), LOC126862261 (BRD4-independent group 4 enhancer GRCh37_chr16:2807529-2808728; plus strand). Cytogenetic location: 16p13.3.
Variant type: single nucleotide variant.
Coding change: c.418G>C on transcript NM_016333.4 (MANE Select); coding-DNA position 418, G replaced by C.
Protein change: p.Gly140Arg; replaces glycine 140 with arginine.
Molecular consequence: missense variant.
Genome position (GRCh38, 1-based): chr16:2,757,848, G>C. VCF-style: chr16-2757848-G-C. GRCh37 (hg19) VCF-style: chr16-2807849-G-C.
Other names: short protein forms G140R.
Identifiers: ClinVar variation 3252833 (VCV003252833.1), dbSNP rs2505592409.